The following is an entry in ClinVar:

ClinVar aggregate classification (germline): Uncertain significance. Review status: criteria provided, multiple submitters, no conflicts (2 of 4 stars). 2 submissions from 2 submitters: Uncertain significance (2). Last evaluated 2024-12-13.

Allele frequency attached by ClinVar (database versions not stated): TOPMed 0.00001; gnomAD exomes 0.00002; ExAC 0.00006.
gnomAD v4.1: 35 of 1,614,068 alleles (0.0022%); highest among the groups gnomAD compares: South Asian, 0.037%; no homozygotes.

Submissions (2):

Labcorp Genetics (formerly Invitae), Labcorp
Classification: Uncertain significance. Last evaluated: 2024-12-13. Review status: criteria provided, single submitter. Criteria: Invitae Variant Classification Sherloc (09022015). Collection method: clinical testing. Allele origin: germline.
Comment: This sequence change replaces glycine, which is neutral and non-polar, with glutamic acid, which is acidic and polar, at codon 368 of the SLC22A4 protein (p.Gly368Glu). This variant is present in population databases (rs751596030, gnomAD 0.04%). This variant has not been reported in the literature in individuals affected with SLC22A4-related conditions. ClinVar contains an entry for this variant (Variation ID: 3163471). Invitae Evidence Modeling of protein sequence and biophysical properties (such as structural, functional, and spatial information, amino acid conservation, physicochemical variation, residue mobility, and thermodynamic stability) has been performed for this missense variant. However, the output from this modeling did not meet the statistical confidence thresholds required to predict the impact of this variant on SLC22A4 protein function. In summary, the available evidence is currently insufficient to determine the role of this variant in disease. Therefore, it has been classified as a Variant of Uncertain Significance.

Ambry Genetics
Classification: Uncertain significance. Last evaluated: 2024-02-17. Review status: criteria provided, single submitter. Criteria: Ambry Variant Classification Scheme 2023. Collection method: clinical testing. Allele origin: germline.

NM_003059.3(SLC22A4):c.1103G>A (p.Gly368Glu)

Genes: MIR3936HG (MIR3936 host gene; minus strand), SLC22A4 (solute carrier family 22 member 4; plus strand). Cytogenetic location: 5q31.1.
Variant type: single nucleotide variant.
Coding change: c.1103G>A on transcript NM_003059.3 (MANE Select); coding-DNA position 1103, G replaced by A.
Protein change: p.Gly368Glu; replaces glycine 368 with glutamic acid.
Molecular consequence: missense variant.
Genome position (GRCh38, 1-based): chr5:132,334,774, G>A. VCF-style: chr5-132334774-G-A. GRCh37 (hg19) VCF-style: chr5-131670467-G-A.
Other names: short protein forms G368E.
Identifiers: ClinVar variation 3163471 (VCV003163471.3), dbSNP rs751596030, ClinGen allele CA3403595.
Genomic context (GRCh38, chr5:132,334,774, plus strand): 5'-TCAGGATGCTGACCTCAGTGGGTTACTTTGCTCTGTCTCTGGATGCTCCTAATTTACATG[G>A]AGATGCCTACCTGAACTGTTTCCTCTCTGCCTTGATTGAAATTCCAGCTTACATTACAGC-3'
Protein context (NP_003050.2, residues 358-378): ALSLDAPNLH[Gly368Glu]DAYLNCFLSA